The following is an entry in ClinVar:

NM_024809.5(TCTN2):c.-15C>T

Gene: TCTN2 (tectonic family member 2; plus strand). Cytogenetic location: 12q24.31.
Variant type: single nucleotide variant.
Coding change: c.-15C>T on transcript NM_024809.5 (MANE Select); 15 bases upstream of the start codon, C replaced by T.
Molecular consequence: 5 prime UTR variant.
Genome position (GRCh38, 1-based): chr12:123,671,226, C>T. VCF-style: chr12-123671226-C-T. GRCh37 (hg19) VCF-style: chr12-124155773-C-T.
Other names: c.-15C>T (NM_001143850.3).
Identifiers: ClinVar variation 307543 (VCV000307543.6), dbSNP rs575728856, ClinGen allele CA6860747.

ClinVar aggregate classification (germline): Uncertain significance. Review status: criteria provided, multiple submitters, no conflicts (2 of 4 stars). 3 submissions from 2 submitters: Uncertain significance (3). Last evaluated 2019-03-27.

Conditions:
Joubert syndrome 24 (JBTS24). Identifiers: Orphanet 475, MedGen C4084841, MONDO:0014724, OMIM 616654.
Meckel syndrome, type 8. Identifiers: Orphanet 564, MedGen C3836857, MONDO:0013482, OMIM 613885.

Allele frequency attached by ClinVar (database versions not stated): gnomAD 0.00001 and 0.00002; TOPMed 0.00001; gnomAD exomes 0.00003; 1000 Genomes Project 30x 0.00016; 1000 Genomes Project 0.00020.
gnomAD v4.1: 55 of 1,610,070 alleles (0.0034%); highest among the groups gnomAD compares: East Asian, 0.11%; no homozygotes.

Submissions (3):

Baylor Genetics
Classification: Uncertain significance for Joubert syndrome 24. Last evaluated: 2019-03-27. Review status: criteria provided, single submitter. Criteria: ACMG Guidelines, 2015. Collection method: clinical testing. Allele origin: unknown. Affected: yes.
Comment: This variant was determined to be of uncertain significance according to ACMG Guidelines, 2015 [PMID:25741868].

Illumina Laboratory Services, Illumina
Classification: Uncertain significance for Meckel syndrome, type 8. Last evaluated: 2018-01-13. Review status: criteria provided, single submitter. Criteria: ICSL Variant Classification Criteria 13 December 2019. Collection method: clinical testing. Allele origin: germline.

Illumina Laboratory Services, Illumina
Classification: Uncertain significance for Joubert syndrome 24. Last evaluated: 2018-01-13. Review status: criteria provided, single submitter. Criteria: ICSL Variant Classification Criteria 13 December 2019. Collection method: clinical testing. Allele origin: germline.